The following is an entry in ClinVar:

ClinVar aggregate classification (germline): Uncertain significance (1 of 4 stars; one submission).

Conditions:
Myopathy, centronuclear, 2 (CNM2). Also called: MYOTUBULAR MYOPATHY, AUTOSOMAL RECESSIVE. Identifiers: Orphanet 169186, MedGen CN031787, MONDO:0009709, OMIM 255200.

gnomAD v4.1: 3 of 1,608,700 alleles (0.00019%); highest among the groups gnomAD compares: South Asian, 0.0033%; no homozygotes.

Submission:

Labcorp Genetics (formerly Invitae), Labcorp
Classification: Uncertain significance for Myopathy, centronuclear, 2. Last evaluated: 2025-04-01. Review status: criteria provided, single submitter. Criteria: Invitae Variant Classification Sherloc (09022015). Collection method: clinical testing. Allele origin: germline.
Comment: This sequence change replaces glutamic acid, which is acidic and polar, with lysine, which is basic and polar, at codon 27 of the BIN1 protein (p.Glu27Lys). This variant is not present in population databases (gnomAD no frequency). This variant has not been reported in the literature in individuals affected with BIN1-related conditions. Invitae Evidence Modeling of protein sequence and biophysical properties (such as structural, functional, and spatial information, amino acid conservation, physicochemical variation, residue mobility, and thermodynamic stability) indicates that this missense variant is expected to disrupt BIN1 protein function with a positive predictive value of 80%. In summary, the available evidence is currently insufficient to determine the role of this variant in disease. Therefore, it has been classified as a Variant of Uncertain Significance.

NM_139343.3(BIN1):c.79G>A (p.Glu27Lys)

Gene: BIN1 (bridging integrator 1; minus strand). Cytogenetic location: 2q14.3.
Variant type: single nucleotide variant.
Coding change: c.79G>A on transcript NM_139343.3 (MANE Select); coding-DNA position 79, G replaced by A.
Protein change: p.Glu27Lys; replaces glutamic acid 27 with lysine.
Molecular consequence: missense variant.
Genome position (GRCh38, 1-based): chr2:127,106,865, C>T on the plus strand (G>A on the coding strand, the complement: BIN1 is on the minus strand). VCF-style: chr2-127106865-C-T. GRCh37 (hg19) VCF-style: chr2-127864441-C-T.
Other names: c.79G>A, p.Glu27Lys (NM_001320632.2, NM_001320633.2, NM_001320640.2 and 10 more transcripts); short protein forms E27K.
Identifiers: ClinVar variation 4762891 (VCV004762891.1).